The following is an entry in ClinVar:

NM_012186.3(FOXE3):c.310C>T (p.Arg104Cys)

Genes: FOXE3 (forkhead box E3; plus strand), LINC01389 (long independently transcribed non-coding RNA 1389; minus strand). Cytogenetic location: 1p33.
Variant type: single nucleotide variant.
Coding change: c.310C>T on transcript NM_012186.3 (MANE Select); coding-DNA position 310, C replaced by T.
Protein change: p.Arg104Cys; replaces arginine 104 with cysteine.
Molecular consequence: missense variant.
Genome position (GRCh38, 1-based): chr1:47,416,625, C>T. VCF-style: chr1-47416625-C-T. GRCh37 (hg19) VCF-style: chr1-47882297-C-T.
Other names: short protein forms R104C.
Identifiers: ClinVar variation 427853 (VCV000427853.5), dbSNP rs755377651, ClinGen allele CA340249497.

ClinVar aggregate classification (germline): Conflicting classifications of pathogenicity. Review status: criteria provided, conflicting classifications (1 of 4 stars). 3 submissions from 3 submitters: Likely pathogenic (1); Uncertain significance (2). Last evaluated 2025-10-01.

Conditions:
Congenital primary aphakia. Also called: Anterior segment dysgenesis 2, multiple subtypes; ANTERIOR SEGMENT DYSGENESIS 2. Identifiers: Orphanet 83461, MedGen C1853230, MONDO:0012456, OMIM 610256.
Cardiovascular phenotype. Identifiers: MedGen CN230736.
Anterior segment dysgenesis. Also called: Ocular anterior segment dysgenesis. Identifiers: Orphanet 88632, MedGen C1862839, MONDO:0019503, HP:0007700.

Allele frequency attached by ClinVar (database versions not stated): gnomAD exomes below 0.00001.
gnomAD v4.1: 3 of 1,610,446 alleles (0.00019%); highest among the groups gnomAD compares: Non-Finnish European, 0.00025%; no homozygotes.

Submissions (3):

Labcorp Genetics (formerly Invitae), Labcorp
Classification: Uncertain significance for Anterior segment dysgenesis; Congenital primary aphakia. Last evaluated: 2025-10-01. Review status: criteria provided, single submitter. Criteria: Invitae Variant Classification Sherloc (09022015). Collection method: clinical testing. Allele origin: germline.
Comment: This sequence change replaces arginine, which is basic and polar, with cysteine, which is neutral and slightly polar, at codon 104 of the FOXE3 protein (p.Arg104Cys). This variant is present in population databases (no rsID available, gnomAD 0.0009%). This missense change has been observed in individual(s) with clinical features of autosomal recessive FOXE3-related conditions (PMID: 29136273). In at least one individual the data is consistent with being in trans (on the opposite chromosome) from a pathogenic variant. ClinVar contains an entry for this variant (Variation ID: 427853). Invitae Evidence Modeling of protein sequence and biophysical properties (such as structural, functional, and spatial information, amino acid conservation, physicochemical variation, residue mobility, and thermodynamic stability) indicates that this missense variant is expected to disrupt FOXE3 protein function with a positive predictive value of 80%. In summary, the available evidence is currently insufficient to determine the role of this variant in disease. Therefore, it has been classified as a Variant of Uncertain Significance.

Ambry Genetics
Classification: Uncertain significance for Cardiovascular phenotype. Last evaluated: 2025-01-15. Review status: criteria provided, single submitter. Criteria: Ambry Variant Classification Scheme 2023. Collection method: clinical testing. Allele origin: germline.
Comment: The p.R104C variant (also known as c.310C>T), located in coding exon 1 of the FOXE3 gene, results from a C to T substitution at nucleotide position 310. The arginine at codon 104 is replaced by cysteine, an amino acid with highly dissimilar properties. This variant has been identified in trans with a second FOXE3 variant in a proband with microphthalmia and bilateral sclerocornea (Plaisanci&eacute; J et al. Clin Genet, 2018 Apr;93:837-845). This amino acid position is highly conserved in available vertebrate species. In addition, this alteration is predicted to be deleterious by in silico analysis. Based on the available evidence, the clinical significance of this variant remains unclear.

Genetics Department, University Hospital of Toulouse
Classification: Likely pathogenic for Congenital primary aphakia. Last evaluated: 2017-06-01. Review status: criteria provided, single submitter. Criteria: ACMG Guidelines, 2015. Collection method: clinical testing. Allele origin: germline. Inheritance: Autosomal recessive inheritance. Affected: yes. Observed: 1 variant allele, 1 compound heterozygote.

Literature cited by the submitters: PubMed 29136273 (cited by Labcorp Genetics (formerly Invitae), Labcorp and Ambry Genetics).